The following is an entry in ClinVar:

ClinVar aggregate classification (germline): Likely benign (1 of 4 stars; one submission).

Allele frequency attached by ClinVar (database versions not stated): TOPMed 0.00004; 1000 Genomes Project 30x 0.00021; 1000 Genomes Project 0.00026; gnomAD 0.00003.

Submission:

CeGaT Center for Human Genetics Tuebingen
Classification: Likely benign. Last evaluated: 2023-03-01. Review status: criteria provided, single submitter. Criteria: CeGaT Center For Human Genetics Tuebingen Variant Classification Criteria Version 2. Collection method: clinical testing. Allele origin: germline. Affected: yes. Observed: 1 variant allele.
Comment: HAUS7: BS2

NM_001385483.1(HAUS7):c.-588-11646C>T

Gene: HAUS7 (HAUS augmin like complex subunit 7; minus strand). Cytogenetic location: Xq28.
Variant type: single nucleotide variant.
Coding change: c.-588-11646C>T on transcript NM_001385483.1; 11646 bases into the intron before 588 bases upstream of the start codon, C replaced by T.
Molecular consequence: intron variant. On other transcripts: non-coding transcript variant (1).
Genome position (GRCh38, 1-based): chrX:153,482,791, G>A on the plus strand (C>T on the coding strand, the complement: HAUS7 is on the minus strand). VCF-style: chrX-153482791-G-A. GRCh37 (hg19) VCF-style: chrX-152748249-G-A.
Identifiers: ClinVar variation 2661693 (VCV002661693.22), dbSNP rs782034447, ClinGen allele CA337210066.